The following is an entry in ClinVar:

NM_001005373.4(LRSAM1):c.436G>C (p.Val146Leu)

Gene: LRSAM1 (leucine rich repeat and sterile alpha motif containing 1; plus strand). Cytogenetic location: 9q33.3.
Variant type: single nucleotide variant.
Coding change: c.436G>C on transcript NM_001005373.4 (MANE Select); coding-DNA position 436, G replaced by C.
Protein change: p.Val146Leu; replaces valine 146 with leucine.
Molecular consequence: missense variant. On other transcripts: 5 prime UTR variant (1), non-coding transcript variant (2).
Genome position (GRCh38, 1-based): chr9:127,462,281, G>C. VCF-style: chr9-127462281-G-C. GRCh37 (hg19) VCF-style: chr9-130224560-G-C.
Other names: c.436G>C, p.Val146Leu (NM_001005374.4, NM_001190723.3, NM_001384142.1 and 2 more transcripts); c.-349G>C (NM_001384144.1); short protein forms V146L.
Identifiers: ClinVar variation 472801 (VCV000472801.8), dbSNP rs555377969, ClinGen allele CA374927821.

ClinVar aggregate classification (germline): Uncertain significance (1 of 4 stars; one submission).

Conditions:
Charcot-Marie-Tooth disease axonal type 2P. Also called: Charcot-Marie-Tooth Neuropathy Type 2G; CHARCOT-MARIE-TOOTH DISEASE, AXONAL, TYPE 2G; CMT 2G; CHARCOT-MARIE-TOOTH NEUROPATHY, TYPE 2P. Identifiers: Orphanet 300319, Orphanet 99941, MedGen C3280797, MONDO:0013753, OMIM 614436.

Submission:

Labcorp Genetics (formerly Invitae), Labcorp
Classification: Uncertain significance for Charcot-Marie-Tooth disease axonal type 2P. Last evaluated: 2017-07-05. Review status: criteria provided, single submitter. Criteria: Invitae Variant Classification Sherloc (09022015). Collection method: clinical testing. Allele origin: germline.
Comment: Algorithms developed to predict the effect of missense changes on protein structure and function output the following: SIFT: "Tolerated"; PolyPhen-2: "Benign"; Align-GVGD: "Class C0". The leucine amino acid residue is found in multiple mammalian species, suggesting that this missense change does not adversely affect protein function. These predictions have not been confirmed by published functional studies and their clinical significance is uncertain. In summary, the available evidence is currently insufficient to determine the role of this variant in disease. Therefore, it has been classified as a Variant of Uncertain Significance. This variant has not been reported in the literature in individuals with LRSAM1-related disease. This variant is not present in population databases (ExAC no frequency). This sequence change replaces valine with leucine at codon 146 of the LRSAM1 protein (p.Val146Leu). The valine residue is weakly conserved and there is a small physicochemical difference between valine and leucine.